The following is an entry in ClinVar:

ClinVar aggregate classification (germline): Pathogenic/Likely pathogenic. Review status: criteria provided, multiple submitters, no conflicts (2 of 4 stars). 3 submissions from 3 submitters: Pathogenic (1); Likely pathogenic (2). Last evaluated 2025-12-08.

Conditions:
Emery-Dreifuss muscular dystrophy 4, autosomal dominant (EDMD4). Also called: EMERY-DREIFUSS MUSCULAR DYSTROPHY 4 WITH VARIABLE FEATURES. Identifiers: Orphanet 261, MedGen C2751807, MONDO:0013071, OMIM 612998.
Autosomal recessive ataxia, Beauce type. Also called: Spinocerebellar ataxia, autosomal recessive 8; ATAXIA, RECESSIVE, OF BEAUCE; SYNE1-Related Autosomal Recessive Cerebellar Ataxia; SYNE1 Deficiency. Identifiers: Orphanet 88644, MedGen C1853116, MONDO:0012549, OMIM 610743.

Allele frequency attached by ClinVar (database versions not stated): gnomAD exomes below 0.00001; TOPMed 0.00001.
gnomAD v4.1: 2 of 1,614,210 alleles (0.00012%); highest among the groups gnomAD compares: Non-Finnish European, 0.00017%; no homozygotes.

Submissions (3):

Labcorp Genetics (formerly Invitae), Labcorp
Classification: Pathogenic for Emery-Dreifuss muscular dystrophy 4, autosomal dominant; Autosomal recessive ataxia, Beauce type. Last evaluated: 2025-12-08. Review status: criteria provided, single submitter. Criteria: Invitae Variant Classification Sherloc (09022015). Collection method: clinical testing. Allele origin: germline.
Comment: This sequence change creates a premature translational stop signal (p.Gln2770*) in the SYNE1 gene. It is expected to result in an absent or disrupted protein product. Loss-of-function variants in SYNE1 are known to be pathogenic (PMID: 19542096, 24319099, 27086870). This variant is not present in population databases (gnomAD no frequency). This variant has not been reported in the literature in individuals affected with SYNE1-related conditions. ClinVar contains an entry for this variant (Variation ID: 937252). Algorithms developed to predict the effect of sequence changes on RNA splicing suggest that this variant may disrupt the consensus splice site. For these reasons, this variant has been classified as Pathogenic.

Revvity Omics, Revvity
Classification: Likely pathogenic. Last evaluated: 2022-06-20. Review status: criteria provided, single submitter. Criteria: ACMG Guidelines, 2015. Collection method: clinical testing. Allele origin: germline.

Athena Diagnostics
Classification: Likely pathogenic. Last evaluated: 2021-10-29. Review status: criteria provided, single submitter. Criteria: Athena Diagnostics Criteria. Collection method: clinical testing. Allele origin: unknown.
Comment: This variant is expected to result in the loss of a functional protein. This variant has not been reported in large, multi-ethnic general populations.

Literature cited by the submitters: PubMed 19542096 (cited by Labcorp Genetics (formerly Invitae), Labcorp); PubMed 24319099 (cited by Labcorp Genetics (formerly Invitae), Labcorp); PubMed 27086870 (cited by Labcorp Genetics (formerly Invitae), Labcorp).

NM_182961.4(SYNE1):c.8287C>T (p.Gln2763Ter)

Gene: SYNE1 (spectrin repeat containing nuclear envelope protein 1; minus strand). Cytogenetic location: 6q25.2.
Variant type: single nucleotide variant.
Coding change: c.8287C>T on transcript NM_182961.4 (MANE Select); coding-DNA position 8287, C replaced by T.
Protein change: p.Gln2763Ter; replaces glutamine 2763 with a stop codon.
Molecular consequence: nonsense.
Genome position (GRCh38, 1-based): chr6:152,387,272, G>A on the plus strand (C>T on the coding strand, the complement: SYNE1 is on the minus strand). VCF-style: chr6-152387272-G-A. GRCh37 (hg19) VCF-style: chr6-152708407-G-A.
Other names: c.8308C>T, p.Gln2770Ter (NM_033071.5); short protein forms Q2770*, Q2763*.
Identifiers: ClinVar variation 937252 (VCV000937252.12), dbSNP rs946657984, ClinGen allele CA150238596.
Genomic context (GRCh38, chr6:152,387,272, plus strand): 5'-CCTCAGACAGGATGGACTGGAGGTGGTCAAGCAGGACGAACTTCTCTTTCAGACCTGGCT[G>A]TGGTTGTAAGGGATGTTCTATTTTTTGATCCACTGATTCCATCCACTGCTCCAACTGGTT-3'